The following is an entry in ClinVar:

ClinVar aggregate classification (germline): Uncertain significance. Review status: criteria provided, multiple submitters, no conflicts (2 of 4 stars). 2 submissions from 2 submitters: Uncertain significance (2). Last evaluated 2025-08-29.

Conditions:
Inborn genetic diseases. Identifiers: MedGen C0950123, MeSH D030342.

Allele frequency attached by ClinVar (database versions not stated): gnomAD exomes 0.00002; gnomAD 0.00003; ExAC 0.00004; TOPMed 0.00008.
gnomAD v4.1: 39 of 1,608,180 alleles (0.0024%); highest among the groups gnomAD compares: African/African-American, 0.011%; no homozygotes.

Submissions (2):

Ambry Genetics
Classification: Uncertain significance for Inborn genetic diseases. Last evaluated: 2025-08-29. Review status: criteria provided, single submitter. Criteria: Ambry Variant Classification Scheme 2023. Collection method: clinical testing. Allele origin: germline.

Labcorp Genetics (formerly Invitae), Labcorp
Classification: Uncertain significance. Last evaluated: 2022-01-26. Review status: criteria provided, single submitter. Criteria: Invitae Variant Classification Sherloc (09022015). Collection method: clinical testing. Allele origin: germline.
Comment: This sequence change replaces glycine, which is neutral and non-polar, with arginine, which is basic and polar, at codon 142 of the XYLT2 protein (p.Gly142Arg). This variant is present in population databases (rs371855496, gnomAD 0.01%). This variant has not been reported in the literature in individuals affected with XYLT2-related conditions. Algorithms developed to predict the effect of missense changes on protein structure and function are either unavailable or do not agree on the potential impact of this missense change (SIFT: "Deleterious"; PolyPhen-2: "Probably Damaging"; Align-GVGD: "Class C0"). Algorithms developed to predict the effect of sequence changes on RNA splicing suggest that this variant may create or strengthen a splice site. In summary, the available evidence is currently insufficient to determine the role of this variant in disease. Therefore, it has been classified as a Variant of Uncertain Significance.

NM_022167.4(XYLT2):c.424G>A (p.Gly142Arg)

Gene: XYLT2 (xylosyltransferase 2; plus strand). Cytogenetic location: 17q21.33.
Variant type: single nucleotide variant.
Coding change: c.424G>A on transcript NM_022167.4 (MANE Select); coding-DNA position 424, G replaced by A.
Protein change: p.Gly142Arg; replaces glycine 142 with arginine.
Molecular consequence: missense variant.
Genome position (GRCh38, 1-based): chr17:50,353,918, G>A. VCF-style: chr17-50353918-G-A. GRCh37 (hg19) VCF-style: chr17-48431279-G-A.
Other names: short protein forms G142R.
Identifiers: ClinVar variation 2081611 (VCV002081611.2), dbSNP rs371855496, ClinGen allele CA8646162.